The following is an entry in ClinVar:

NM_139076.3(ABRAXAS1):c.895A>G (p.Met299Val)

Gene: ABRAXAS1 (abraxas 1, BRCA1 A complex subunit; minus strand). Cytogenetic location: 4q21.23.
Variant type: single nucleotide variant.
Coding change: c.895A>G on transcript NM_139076.3 (MANE Select); coding-DNA position 895, A replaced by G.
Protein change: p.Met299Val; replaces methionine 299 with valine.
Molecular consequence: missense variant.
Genome position (GRCh38, 1-based): chr4:83,462,804, T>C on the plus strand (A>G on the coding strand, the complement: ABRAXAS1 is on the minus strand). VCF-style: chr4-83462804-T-C. GRCh37 (hg19) VCF-style: chr4-84383957-T-C.
Other names: c.568A>G, p.Met190Val (NM_001345962.2); short protein forms M190V, M299V.
Identifiers: ClinVar variation 3229159 (VCV003229159.1), dbSNP rs143012786, ClinGen allele CA100678469.
Genomic context (GRCh38, chr4:83,462,804, plus strand): 5'-CATCGAGATGGTGGTTGTAGTTACAGCTACTTTTAGAAACATGTCTATTTTTTAAAGACA[T>C]AACACATGAATGAAGAAATTCAGAATTTGGAAAAAAGGTCCGTAATGCCTGACAAAGAAA-3'
Protein context (NP_620775.2, residues 289-309): PNSEFLHSCV[Met299Val]SLKNRHVSKS

ClinVar aggregate classification (germline): Uncertain significance (1 of 4 stars; one submission).

Allele frequency attached by ClinVar (database versions not stated): gnomAD exomes below 0.00001.
gnomAD v4.1: 1 of 1,613,486 alleles (0.000062%); highest among the groups gnomAD compares: Non-Finnish European, 0.000085%; no homozygotes.

Submission:

Ambry Genetics
Classification: Uncertain significance. Last evaluated: 2024-01-27. Review status: criteria provided, single submitter. Criteria: Ambry Variant Classification Scheme 2023. Collection method: clinical testing. Allele origin: germline.
Comment: The p.M299V variant (also known as c.895A>G), located in coding exon 9 of the FAM175A gene, results from an A to G substitution at nucleotide position 895. The methionine at codon 299 is replaced by valine, an amino acid with highly similar properties. This amino acid position is conserved. In addition, this alteration is predicted to be tolerated by in silico analysis. Based on the available evidence, the clinical significance of this alteration remains unclear.